The following is an entry in ClinVar:

ClinVar aggregate classification (germline): Likely benign. Review status: criteria provided, multiple submitters, no conflicts (2 of 4 stars). 4 submissions from 4 submitters: Likely benign (3). 1 of the submissions does not count toward it. Last evaluated 2026-01-12.

Conditions:
Inborn genetic diseases. Identifiers: MedGen C0950123, MeSH D030342.
Pitt-Hopkins-like syndrome 2 (PTHSL2). Identifiers: Orphanet 221150, Orphanet 600663, MedGen C3280479, MONDO:0013690, OMIM 614325.
NRXN1-related disorder.

Allele frequency attached by ClinVar (database versions not stated): gnomAD 0.00001; TOPMed 0.00002; ESP Exome Variant Server 0.00008.
gnomAD v4.1: 59 of 1,612,426 alleles (0.0037%); highest among the groups gnomAD compares: Admixed American, 0.013%; no homozygotes.

Submissions (4):

Labcorp Genetics (formerly Invitae), Labcorp
Classification: Likely benign for Pitt-Hopkins-like syndrome 2. Last evaluated: 2026-01-12. Review status: criteria provided, single submitter. Criteria: Invitae Variant Classification Sherloc (09022015). Collection method: clinical testing. Allele origin: germline.

Ambry Genetics
Classification: Likely benign for Inborn genetic diseases. Last evaluated: 2020-07-09. Review status: criteria provided, single submitter. Criteria: Ambry Variant Classification Scheme 2023. Collection method: clinical testing. Allele origin: germline.

GeneDx
Classification: Likely benign. Last evaluated: 2016-03-04. Review status: criteria provided, single submitter. Criteria: GeneDx Variant Classification (06012015). Collection method: clinical testing. Allele origin: germline. Affected: yes.
Comment: This variant is considered likely benign or benign based on one or more of the following criteria: it is a conservative change, it occurs at a poorly conserved position in the protein, it is predicted to be benign by multiple in silico algorithms, and/or has population frequency not consistent with disease.

PreventionGenetics, part of Exact Sciences
Classification: Likely benign for NRXN1-related condition. Last evaluated: 2019-05-28. Review status: no assertion criteria provided. Collection method: clinical testing. Allele origin: germline. Not counted in ClinVar's aggregate classification.
Comment: This variant is classified as likely benign based on ACMG/AMP sequence variant interpretation guidelines (Richards et al. 2015 PMID: 25741868, with internal and published modifications).

NM_001330078.2(NRXN1):c.864A>G (p.Gly288=)

Gene: NRXN1 (neurexin 1; minus strand). Cytogenetic location: 2p16.3.
Variant type: single nucleotide variant.
Coding change: c.864A>G on transcript NM_001330078.2 (MANE Select); coding-DNA position 864, A replaced by G.
Protein change: p.Gly288=; no amino-acid change (glycine 288 retained).
Molecular consequence: synonymous variant.
Genome position (GRCh38, 1-based): chr2:50,623,584, T>C on the plus strand (A>G on the coding strand, the complement: NRXN1 is on the minus strand). VCF-style: chr2-50623584-T-C. GRCh37 (hg19) VCF-style: chr2-50850722-T-C.
Other names: c.963A>G (NM_001135659.2); c.963A>G, p.Gly321= (NM_001135659.3); c.864A>G, p.Gly288= (NM_001330077.2, NM_001330082.2, NM_001330085.2 and 3 more transcripts); c.804A>G, p.Gly268= (NM_001330083.2, NM_001330084.2, NM_001330087.2 and 1 more transcripts); c.834A>G, p.Gly278= (NM_001330088.2); c.861A>G, p.Gly287= (NM_001330093.2); c.852A>G, p.Gly284= (NM_001330094.2).
Identifiers: ClinVar variation 384075 (VCV000384075.15), dbSNP rs373654735, ClinGen allele CA1655147.
Genomic context (GRCh38, chr2:50,623,584, plus strand): 5'-TATTTCATCACTGCTGCTTTGAATGGGGTTTTGAGACAAGTCGTAGCAGAAGTATTCAGA[T>C]CCTTTGAACGTGGCAATATATTCTTCTTTTCCTAGAGGAAAACAGATGATACATACATAA-3'
Protein context (NP_001317007.1, residues 278-298): GKEEYIATFK[Gly288=]SEYFCYDLSQ